The following is an entry in ClinVar:

NM_001365276.2(TNXB):c.7836C>A (p.Ala2612=)

Gene: TNXB (tenascin XB; minus strand). Cytogenetic location: 6p21.33.
Variant type: single nucleotide variant.
Coding change: c.7836C>A on transcript NM_001365276.2 (MANE Select); coding-DNA position 7836, C replaced by A.
Protein change: p.Ala2612=; no amino-acid change (alanine 2612 retained).
Molecular consequence: synonymous variant.
Genome position (GRCh38, 1-based): chr6:32,056,893, G>T on the plus strand (C>A on the coding strand, the complement: TNXB is on the minus strand). VCF-style: chr6-32056893-G-T. GRCh37 (hg19) VCF-style: chr6-32024670-G-T.
Other names: c.7836C>A, p.Ala2612= (NM_019105.8).
Identifiers: ClinVar variation 1760824 (VCV001760824.4), dbSNP rs202137866, ClinGen allele CA3734021.

ClinVar aggregate classification (germline): Likely benign. Review status: criteria provided, single submitter (1 of 4 stars). 2 submissions from 2 submitters: Likely benign (1). 1 of the submissions does not count toward it. Last evaluated 2020-09-29.

Conditions:
TNXB-related disorder. Also called: TNXB-related condition.
Cardiovascular phenotype. Identifiers: MedGen CN230736.

gnomAD v4.1: 30 of 1,611,040 alleles (0.0019%); highest among the groups gnomAD compares: Non-Finnish European, 0.0025%; no homozygotes.

Submissions (2):

Ambry Genetics
Classification: Likely benign for Cardiovascular phenotype. Last evaluated: 2020-09-29. Review status: criteria provided, single submitter. Criteria: Ambry Variant Classification Scheme 2023. Collection method: clinical testing. Allele origin: germline.

PreventionGenetics, part of Exact Sciences
Classification: Likely benign for TNXB-related condition. Last evaluated: 2023-01-24. Review status: no assertion criteria provided. Collection method: clinical testing. Allele origin: germline. Not counted in ClinVar's aggregate classification.
Comment: This variant is classified as likely benign based on ACMG/AMP sequence variant interpretation guidelines (Richards et al. 2015 PMID: 25741868, with internal and published modifications).